The following is an entry in ClinVar:

ClinVar aggregate classification (germline): Uncertain significance (1 of 4 stars; one submission).

Allele frequency attached by ClinVar (database versions not stated): ExAC 0.00001; gnomAD 0.00001; gnomAD exomes 0.00001 and 0.00002; 1000 Genomes Project 30x 0.00016; 1000 Genomes Project 0.00020.
gnomAD v4.1: 13 of 1,614,048 alleles (0.00081%); highest among the groups gnomAD compares: South Asian, 0.014%; no homozygotes.

Submission:

Labcorp Genetics (formerly Invitae), Labcorp
Classification: Uncertain significance. Last evaluated: 2022-08-31. Review status: criteria provided, single submitter. Criteria: Invitae Variant Classification Sherloc (09022015). Collection method: clinical testing. Allele origin: germline.
Comment: This variant is present in population databases (rs558192411, gnomAD 0.01%). This variant has not been reported in the literature in individuals affected with LAMB1-related conditions. ClinVar contains an entry for this variant (Variation ID: 1461614). This sequence change replaces aspartic acid, which is acidic and polar, with glutamic acid, which is acidic and polar, at codon 505 of the LAMB1 protein (p.Asp505Glu). Algorithms developed to predict the effect of missense changes on protein structure and function are either unavailable or do not agree on the potential impact of this missense change (SIFT: "Deleterious"; PolyPhen-2: "Benign"; Align-GVGD: "Class C35"). In summary, the available evidence is currently insufficient to determine the role of this variant in disease. Therefore, it has been classified as a Variant of Uncertain Significance.

NM_002291.3(LAMB1):c.1515T>A (p.Asp505Glu)

Gene: LAMB1 (laminin subunit beta 1; minus strand). Cytogenetic location: 7q31.1.
Variant type: single nucleotide variant.
Coding change: c.1515T>A on transcript NM_002291.3 (MANE Select); coding-DNA position 1515, T replaced by A.
Protein change: p.Asp505Glu; replaces aspartic acid 505 with glutamic acid.
Molecular consequence: missense variant.
Genome position (GRCh38, 1-based): chr7:107,973,039, A>T on the plus strand (T>A on the coding strand, the complement: LAMB1 is on the minus strand). VCF-style: chr7-107973039-A-T. GRCh37 (hg19) VCF-style: chr7-107613484-A-T.
Other names: short protein forms D505E.
Identifiers: ClinVar variation 1461614 (VCV001461614.6), dbSNP rs558192411, ClinGen allele CA4435998.